The following is an entry in ClinVar:

NM_004336.5(BUB1):c.1622C>T (p.Pro541Leu)

Gene: BUB1 (BUB1 mitotic checkpoint serine/threonine kinase; minus strand). Cytogenetic location: 2q13.
Variant type: single nucleotide variant.
Coding change: c.1622C>T on transcript NM_004336.5 (MANE Select); coding-DNA position 1622, C replaced by T.
Protein change: p.Pro541Leu; replaces proline 541 with leucine.
Molecular consequence: missense variant.
Genome position (GRCh38, 1-based): chr2:110,657,112, G>A on the plus strand (C>T on the coding strand, the complement: BUB1 is on the minus strand). VCF-style: chr2-110657112-G-A. GRCh37 (hg19) VCF-style: chr2-111414689-G-A.
Other names: c.1562C>T, p.Pro521Leu (NM_001278616.2); c.1622C>T, p.Pro541Leu (NM_001278617.2); short protein forms P541L, P521L.
Identifiers: ClinVar variation 2565803 (VCV002565803.2), dbSNP rs2468006168, ClinGen allele CA348211606.

ClinVar aggregate classification (germline): Uncertain significance (1 of 4 stars; one submission).

Submission:

Ambry Genetics
Classification: Uncertain significance. Last evaluated: 2023-05-02. Review status: criteria provided, single submitter. Criteria: Ambry Variant Classification Scheme 2023. Collection method: clinical testing. Allele origin: germline.
Comment: The p.P541L variant (also known as c.1622C>T), located in coding exon 15 of the BUB1 gene, results from a C to T substitution at nucleotide position 1622. The proline at codon 541 is replaced by leucine, an amino acid with similar properties. This amino acid position is conserved. In addition, this alteration is predicted to be tolerated by in silico analysis. Since supporting evidence is limited at this time, the clinical significance of this alteration remains unclear.